The following is an entry in ClinVar:

NM_000316.3(PTH1R):c.1152G>T (p.Val384=)

Gene: PTH1R (parathyroid hormone 1 receptor; plus strand). Cytogenetic location: 3p21.31.
Variant type: single nucleotide variant.
Coding change: c.1152G>T on transcript NM_000316.3 (MANE Select); coding-DNA position 1152, G replaced by T.
Protein change: p.Val384=; no amino-acid change (valine 384 retained).
Molecular consequence: synonymous variant.
Genome position (GRCh38, 1-based): chr3:46,901,801, G>T. VCF-style: chr3-46901801-G-T. GRCh37 (hg19) VCF-style: chr3-46943291-G-T.
Other names: c.1152G>T, p.Val384= (NM_001184744.1).
Identifiers: ClinVar variation 345593 (VCV000345593.12), dbSNP rs763816214, ClinGen allele CA2359425.

ClinVar aggregate classification (germline): Conflicting classifications of pathogenicity. Review status: criteria provided, conflicting classifications (1 of 4 stars). 3 submissions from 2 submitters: Uncertain significance (1); Benign (1); Likely benign (1). Last evaluated 2025-01-27.

Conditions:
Metaphyseal chondrodysplasia, Jansen type. Also called: Metaphyseal chondrodysplasia Murk Jansen type; PTH1R-Related Jansen Metaphyseal Chondrodysplasia. Identifiers: Orphanet 33067, MedGen C0265295, MONDO:0007982, OMIM 156400.
Chondrodysplasia Blomstrand type (BOCD). Identifiers: Orphanet 50945, MedGen C1859148, MONDO:0008970, OMIM 215045.

Allele frequency attached by ClinVar (database versions not stated): gnomAD 0.00001 and 0.00003; TOPMed 0.00002; gnomAD exomes 0.00007 and 0.00009; ExAC 0.00010.
gnomAD v4.1: 102 of 1,614,108 alleles (0.0063%); highest among the groups gnomAD compares: East Asian, 0.23%; no homozygotes.

Submissions (3):

Labcorp Genetics (formerly Invitae), Labcorp
Classification: Likely benign. Last evaluated: 2025-01-27. Review status: criteria provided, single submitter. Criteria: Invitae Variant Classification Sherloc (09022015). Collection method: clinical testing. Allele origin: germline.

Illumina Laboratory Services, Illumina
Classification: Benign for Metaphyseal chondrodysplasia, Jansen type. Last evaluated: 2018-01-13. Review status: criteria provided, single submitter. Criteria: ICSL Variant Classification Criteria 13 December 2019. Collection method: clinical testing. Allele origin: germline.
Comment: This variant was observed in the ICSL laboratory as part of a predisposition screen in an ostensibly healthy population. It had not been previously curated by ICSL or reported in the Human Gene Mutation Database (HGMD: prior to June 1st, 2018), and was therefore a candidate for classification through an automated scoring system. Utilizing variant allele frequency, disease prevalence and penetrance estimates, and inheritance mode, an automated score was calculated to assess if this variant is too frequent to cause the disease. Based on the score and internal cut-off values, a variant classified as benign is not then subjected to further curation. The score for this variant resulted in a classification of benign for this disease.

Illumina Laboratory Services, Illumina
Classification: Uncertain significance for Chondrodysplasia Blomstrand type. Last evaluated: 2018-01-13. Review status: criteria provided, single submitter. Criteria: ICSL Variant Classification Criteria 13 December 2019. Collection method: clinical testing. Allele origin: germline.